The following is an entry in ClinVar:

NM_001048174.2(MUTYH):c.1221C>A (p.His407Gln)

Gene: MUTYH (mutY DNA glycosylase; minus strand). Cytogenetic location: 1p34.1.
Variant type: single nucleotide variant.
Coding change: c.1221C>A on transcript NM_001048174.2 (MANE Select); coding-DNA position 1221, C replaced by A.
Protein change: p.His407Gln; replaces histidine 407 with glutamine.
Molecular consequence: missense variant. On other transcripts: non-coding transcript variant (7).
Genome position (GRCh38, 1-based): chr1:45,331,438, G>T on the plus strand (C>A on the coding strand, the complement: MUTYH is on the minus strand). VCF-style: chr1-45331438-G-T. GRCh37 (hg19) VCF-style: chr1-45797110-G-T.
Other names: c.1224C>A, p.His408Gln (NM_001048172.2, NM_001407078.1, NM_001407086.1 and 1 more transcripts); c.1221C>A, p.His407Gln (NM_001048173.2, NM_001293195.2, NM_001407081.1 and 6 more transcripts); c.1305C>A, p.His435Gln (NM_001128425.2); c.1266C>A, p.His422Gln (NM_001293190.2); c.1254C>A, p.His418Gln (NM_001293191.2, NM_001407069.1, NM_001407077.1); c.945C>A, p.His315Gln (NM_001293192.2, NM_001293196.2, NM_001407091.1); c.1182C>A, p.His394Gln (NM_001407079.1); c.1179C>A, p.His393Gln (NM_001407080.1); and 5 more; short protein forms H421Q, H435Q, H292Q, H394Q, H407Q, H414Q, H432Q, H393Q.
Identifiers: ClinVar variation 2859735 (VCV002859735.4), dbSNP rs762970030, ClinGen allele CA340132855.

ClinVar aggregate classification (germline): Uncertain significance. Review status: criteria provided, multiple submitters, no conflicts (2 of 4 stars). 2 submissions from 2 submitters: Uncertain significance (2). Last evaluated 2025-08-27.

Conditions:
Familial adenomatous polyposis 2. Also called: COLORECTAL ADENOMATOUS POLYPOSIS, AUTOSOMAL RECESSIVE; ADENOMAS, MULTIPLE COLORECTAL, AUTOSOMAL RECESSIVE; MUTYH-related attenuated familial adenomatous polyposis; MUTYH-associated polyposis; MYH-associated polyposis; MUTYH Polyposis. Identifiers: Orphanet 220460, Orphanet 247798, MedGen C3272841, MONDO:0012041, OMIM 608456.
Hereditary cancer-predisposing syndrome. Also called: Tumor predisposition; Hereditary neoplastic syndrome; Hereditary Cancer Syndrome; Neoplastic Syndromes, Hereditary. Identifiers: Orphanet 140162, MedGen C0027672, MeSH D009386, MONDO:0015356.

Submissions (2):

Ambry Genetics
Classification: Uncertain significance for Hereditary cancer-predisposing syndrome. Last evaluated: 2025-08-27. Review status: criteria provided, single submitter. Criteria: Ambry Variant Classification Scheme 2023. Collection method: clinical testing. Allele origin: germline.
Comment: The p.H435Q variant (also known as c.1305C>A), located in coding exon 13 of the MUTYH gene, results from a C to A substitution at nucleotide position 1305. The histidine at codon 435 is replaced by glutamine, an amino acid with highly similar properties. This amino acid position is conserved. In addition, this alteration is predicted to be tolerated by in silico analysis. Based on the available evidence, the clinical significance of this variant remains unclear.

Labcorp Genetics (formerly Invitae), Labcorp
Classification: Uncertain significance for Familial adenomatous polyposis 2. Last evaluated: 2023-04-27. Review status: criteria provided, single submitter. Criteria: Invitae Variant Classification Sherloc (09022015). Collection method: clinical testing. Allele origin: germline.
Comment: In summary, the available evidence is currently insufficient to determine the role of this variant in disease. Therefore, it has been classified as a Variant of Uncertain Significance. Algorithms developed to predict the effect of missense changes on protein structure and function output the following: SIFT: "Not Available"; PolyPhen-2: "Benign"; Align-GVGD: "Not Available". The glutamine amino acid residue is found in multiple mammalian species, which suggests that this missense change does not adversely affect protein function. This variant has not been reported in the literature in individuals affected with MUTYH-related conditions. This variant is not present in population databases (gnomAD no frequency). This sequence change replaces histidine, which is basic and polar, with glutamine, which is neutral and polar, at codon 435 of the MUTYH protein (p.His435Gln).